The following is an entry in ClinVar:

NM_001244008.2(KIF1A):c.1978C>T (p.Arg660Cys)

Gene: KIF1A (kinesin family member 1A; minus strand). Cytogenetic location: 2q37.3.
Variant type: single nucleotide variant.
Coding change: c.1978C>T on transcript NM_001244008.2 (MANE Select); coding-DNA position 1978, C replaced by T.
Protein change: p.Arg660Cys; replaces arginine 660 with cysteine.
Molecular consequence: missense variant.
Genome position (GRCh38, 1-based): chr2:240,763,063, G>A on the plus strand (C>T on the coding strand, the complement: KIF1A is on the minus strand). VCF-style: chr2-240763063-G-A. GRCh37 (hg19) VCF-style: chr2-241702480-G-A.
Other names: c.1978C>T, p.Arg660Cys (NM_001320705.2, NM_001330289.2, NM_001379638.1); c.2053C>T, p.Arg685Cys (NM_001330290.2, NM_001379631.1, NM_001379634.1 and 2 more transcripts); c.1951C>T, p.Arg651Cys (NM_001379632.1, NM_001379633.1, NM_001379636.1 and 11 more transcripts); c.2026C>T, p.Arg676Cys (NM_001379637.1, NM_001379648.1); short protein forms R651C, R660C, R676C, R685C.
Identifiers: ClinVar variation 2926596 (VCV002926596.3), dbSNP rs755461108, ClinGen allele CA351326676.

ClinVar aggregate classification (germline): Uncertain significance (1 of 4 stars; one submission).

Conditions:
Neuropathy, hereditary sensory, type 2C. Also called: Hereditary sensory and autonomic neuropathy type IIC; KIF1A-Related HSAN2 (HSAN2C). Identifiers: Orphanet 970, MedGen C3280168, MONDO:0013634, OMIM 614213.
Hereditary spastic paraplegia 30. Identifiers: Orphanet 101010, MedGen C5235139, MONDO:0012476.
Intellectual disability, autosomal dominant 9 (NESCAVS). Also called: NESCAV SYNDROME; KIF1A-Related Neurodevelopmental Disorder. Identifiers: Orphanet 662367, MedGen C5393830, MONDO:0013656, OMIM 614255.

gnomAD v4.1: 2 of 1,560,600 alleles (0.00013%); highest among the groups gnomAD compares: Non-Finnish European, 0.00017%; no homozygotes.

Submission:

Labcorp Genetics (formerly Invitae), Labcorp
Classification: Uncertain significance for Hereditary spastic paraplegia 30; Neuropathy, hereditary sensory, type 2C; Intellectual disability, autosomal dominant 9. Last evaluated: 2023-08-23. Review status: criteria provided, single submitter. Criteria: Invitae Variant Classification Sherloc (09022015). Collection method: clinical testing. Allele origin: germline.
Comment: In summary, the available evidence is currently insufficient to determine the role of this variant in disease. Therefore, it has been classified as a Variant of Uncertain Significance. Advanced modeling of protein sequence and biophysical properties (such as structural, functional, and spatial information, amino acid conservation, physicochemical variation, residue mobility, and thermodynamic stability) has been performed at Invitae for this missense variant, however the output from this modeling did not meet the statistical confidence thresholds required to predict the impact of this variant on KIF1A protein function. This variant has not been reported in the literature in individuals affected with KIF1A-related conditions. This variant is not present in population databases (gnomAD no frequency). This sequence change replaces arginine, which is basic and polar, with cysteine, which is neutral and slightly polar, at codon 651 of the KIF1A protein (p.Arg651Cys).